The following is an entry in ClinVar:

NM_005560.6(LAMA5):c.6271C>T (p.Arg2091Ter)

Gene: LAMA5 (laminin subunit alpha 5; minus strand). Cytogenetic location: 20q13.33.
Variant type: single nucleotide variant.
Coding change: c.6271C>T on transcript NM_005560.6 (MANE Select); coding-DNA position 6271, C replaced by T.
Protein change: p.Arg2091Ter; replaces arginine 2091 with a stop codon.
Molecular consequence: nonsense.
Genome position (GRCh38, 1-based): chr20:62,322,344, G>A on the plus strand (C>T on the coding strand, the complement: LAMA5 is on the minus strand). VCF-style: chr20-62322344-G-A. GRCh37 (hg19) VCF-style: chr20-60897400-G-A.
Other names: short protein forms R2091*.
Identifiers: ClinVar variation 4072274 (VCV004072274.1).

ClinVar aggregate classification (germline): Likely pathogenic (1 of 4 stars; one submission).

Conditions:
Nephrotic syndrome, IIa 26. Also called: Nephrotic syndrome, type 26. Identifiers: MedGen C5774221, MONDO:0031061, OMIM 620049.

gnomAD v4.1: 14 of 1,596,170 alleles (0.00088%); highest among the groups gnomAD compares: East Asian, 0.0045%; no homozygotes.

Submission:

3billion
Classification: Likely pathogenic for Nephrotic syndrome, IIa 26. Last evaluated: 2024-09-20. Review status: criteria provided, single submitter. Criteria: ACMG Guidelines, 2015. Collection method: clinical testing. Allele origin: germline. Affected: yes.
Comment: The variant is observed at an extremely low frequency in the gnomAD v4.0.0 dataset (total allele frequency: <0.001%). Predicted Consequence/Location: Stop-gained (nonsense): predicted to result in a loss or disruption of normal protein function through nonsense-mediated decay (NMD) or protein truncation. Multiple pathogenic variants are reported downstream of the variant. Therefore, this variant is classified as Likely pathogenic according to the recommendation of ACMG/AMP guideline.